The following is an entry in ClinVar:

NM_004646.4(NPHS1):c.3110-2A>G

Gene: NPHS1 (NPHS1 adhesion molecule, nephrin; minus strand). Cytogenetic location: 19q13.12.
Variant type: single nucleotide variant.
Coding change: c.3110-2A>G on transcript NM_004646.4 (MANE Select); the canonical splice acceptor site of the intron before coding-DNA position 3110, A replaced by G.
Molecular consequence: splice acceptor variant.
Genome position (GRCh38, 1-based): chr19:35,835,763, T>C on the plus strand (A>G on the coding strand, the complement: NPHS1 is on the minus strand). VCF-style: chr19-35835763-T-C. GRCh37 (hg19) VCF-style: chr19-36326665-T-C.
Identifiers: ClinVar variation 1507228 (VCV001507228.8), dbSNP rs2146812253, ClinGen allele CA405419280.

ClinVar aggregate classification (germline): Likely pathogenic (1 of 4 stars; one submission).

Allele frequency attached by ClinVar (database versions not stated): gnomAD exomes below 0.00001.
gnomAD v4.1: 1 of 1,613,216 alleles (0.000062%); highest among the groups gnomAD compares: Non-Finnish European, 0.000085%; no homozygotes.

Submission:

Labcorp Genetics (formerly Invitae), Labcorp
Classification: Likely pathogenic. Last evaluated: 2020-11-07. Review status: criteria provided, single submitter. Criteria: Invitae Variant Classification Sherloc (09022015). Collection method: clinical testing. Allele origin: germline.
Comment: This sequence change affects an acceptor splice site in intron 22 of the NPHS1 gene. It is expected to disrupt RNA splicing. Variants that disrupt the donor or acceptor splice site typically lead to a loss of protein function (PMID: 16199547), and loss-of-function variants in NPHS1 are known to be pathogenic (PMID: 11317351, 11854170, 12039988). This variant is not present in population databases (ExAC no frequency). This variant has been observed in individual(s) with nephrotic syndrome (PMID: 25903641). Algorithms developed to predict the effect of sequence changes on RNA splicing suggest that this variant may disrupt the consensus splice site, but this prediction has not been confirmed by published transcriptional studies. In summary, the currently available evidence indicates that the variant is pathogenic, but additional data are needed to prove that conclusively. Therefore, this variant has been classified as Likely Pathogenic.

Literature cited by the submitters: PubMed 16199547; PubMed 11317351; PubMed 11854170; PubMed 12039988; PubMed 25903641.